The following is an entry in ClinVar:

ClinVar aggregate classification (germline): Uncertain significance (1 of 4 stars; one submission).

Submission:

GeneDx
Classification: Uncertain significance. Last evaluated: 2024-12-23. Review status: criteria provided, single submitter. Criteria: GeneDx Variant Classification Process June 2021. Collection method: clinical testing. Allele origin: germline. Affected: yes.
Comment: Not observed at significant frequency in large population cohorts (gnomAD); In silico analysis supports a deleterious effect on splicing; Has not been previously published as pathogenic or benign to our knowledge

NM_170675.5(MEIS2):c.490-8C>A

Gene: MEIS2 (Meis homeobox 2; minus strand). Cytogenetic location: 15q14.
Variant type: single nucleotide variant.
Coding change: c.490-8C>A on transcript NM_170675.5 (MANE Select); 8 bases into the intron before coding-DNA position 490, C replaced by A.
Molecular consequence: intron variant.
Genome position (GRCh38, 1-based): chr15:37,093,738, G>T on the plus strand (C>A on the coding strand, the complement: MEIS2 is on the minus strand). VCF-style: chr15-37093738-G-T. GRCh37 (hg19) VCF-style: chr15-37385939-G-T.
Other names: c.451-8C>A (NM_002399.4, NM_172315.3); c.490-8C>A (NM_001220482.2, NM_170676.5, NM_170674.5 and 1 more transcripts); c.226-8C>A (NM_172316.3).
Identifiers: ClinVar variation 3907950 (VCV003907950.1).